The following is an entry in ClinVar:

ClinVar aggregate classification (germline): Pathogenic (1 of 4 stars; one submission).

Submission:

Labcorp Genetics (formerly Invitae), Labcorp
Classification: Pathogenic. Last evaluated: 2022-05-29. Review status: criteria provided, single submitter. Criteria: Invitae Variant Classification Sherloc (09022015). Collection method: clinical testing. Allele origin: germline.
Comment: This sequence change creates a premature translational stop signal (p.Ser132Ilefs*19) in the RARS2 gene. It is expected to result in an absent or disrupted protein product. Loss-of-function variants in RARS2 are known to be pathogenic (PMID: 17847012, 22569581, 26083569). This variant is not present in population databases (gnomAD no frequency). This variant has not been reported in the literature in individuals affected with RARS2-related conditions. This variant is also known as c.395+1del. Algorithms developed to predict the effect of sequence changes on RNA splicing suggest that this variant may disrupt the consensus splice site. For these reasons, this variant has been classified as Pathogenic.

Literature cited by the submitters: PubMed 17847012; PubMed 22569581; PubMed 26083569.

NM_020320.5(RARS2):c.395+1del

Gene: RARS2 (arginyl-tRNA synthetase 2, mitochondrial; minus strand). Cytogenetic location: 6q15.
Variant type: Deletion.
Coding change: c.395+1del on transcript NM_020320.5 (MANE Select); the canonical splice donor site of the intron after coding-DNA position 395, one base deleted (G; older notation c.395+1delG).
Molecular consequence: splice donor variant.
Genome position (GRCh38, 1-based): chr6:87,555,407, C deleted on the plus strand (G on the coding strand, the reverse complement: RARS2 is on the minus strand); the first of 2 consecutive C bases (chr6:87,555,407-87,555,408); deleting either gives the same sequence. VCF-style (leftmost placement, unchanged base first): chr6-87555406-AC-A. GRCh37 (hg19) VCF-style: chr6-88265124-AC-A.
Other names: c.395+1del (NM_001350505.2); c.-75+1del (NM_001350509.2, NM_001318785.2); c.-131+1del (NM_001350506.2, NM_001350510.2, NM_001350511.2 and 1 more transcripts); c.-293+1del (NM_001350508.2).
Identifiers: ClinVar variation 2000846 (VCV002000846.4), dbSNP rs2484604436, ClinGen allele CA2580075957.